The following is an entry in ClinVar:

NM_001042492.3(NF1):c.7547C>A (p.Pro2516His)

Gene: NF1 (neurofibromin 1; plus strand). Cytogenetic location: 17q11.2.
Variant type: single nucleotide variant.
Coding change: c.7547C>A on transcript NM_001042492.3 (MANE Select); coding-DNA position 7547, C replaced by A.
Protein change: p.Pro2516His; replaces proline 2516 with histidine.
Molecular consequence: missense variant.
Genome position (GRCh38, 1-based): chr17:31,352,346, C>A. VCF-style: chr17-31352346-C-A. GRCh37 (hg19) VCF-style: chr17-29679364-C-A.
Other names: c.7484C>A, p.Pro2495His (NM_000267.4); short protein forms P2495H, P2516H.
Identifiers: ClinVar variation 1902545 (VCV001902545.5), dbSNP rs2151577232, ClinGen allele CA399017653.
Genomic context (GRCh38, chr17:31,352,346, plus strand): 5'-CTCCCAAAGGTTCTGAAGGATACCTTGCAGCCACCTATCCAACTGTCGGCCAGACCAGTC[C>A]CCGAGCCAGGAAATCCATGAGCCTGGACATGGGGCAACCTTCTCAGGCCAACACTAAGAA-3'
Protein context (NP_001035957.1, residues 2506-2526): ATYPTVGQTS[Pro2516His]RARKSMSLDM

ClinVar aggregate classification (germline): Uncertain significance (1 of 4 stars; one submission).

Conditions:
Neurofibromatosis, type 1 (NF1). Also called: Peripheral type neurofibromatosis; Neurofibromatosis, type I; VON RECKLINGHAUSEN DISEASE; NEUROFIBROMATOSIS, TYPE I, SOMATIC. Identifiers: Orphanet 636, MedGen C0027831, MONDO:0018975, OMIM 162200. Disease mechanism: loss of function.

Submission:

Labcorp Genetics (formerly Invitae), Labcorp
Classification: Uncertain significance for Neurofibromatosis, type 1. Last evaluated: 2025-11-18. Review status: criteria provided, single submitter. Criteria: Invitae Variant Classification Sherloc (09022015). Collection method: clinical testing. Allele origin: germline.
Comment: This sequence change replaces proline, which is neutral and non-polar, with histidine, which is basic and polar, at codon 2495 of the NF1 protein (p.Pro2495His). This variant is not present in population databases (gnomAD no frequency). This variant has not been reported in the literature in individuals affected with NF1-related conditions. ClinVar contains an entry for this variant (Variation ID: 1902545). Invitae Evidence Modeling of protein sequence and biophysical properties (such as structural, functional, and spatial information, amino acid conservation, physicochemical variation, residue mobility, and thermodynamic stability) indicates that this missense variant is not expected to disrupt NF1 protein function with a negative predictive value of 95%. In summary, the available evidence is currently insufficient to determine the role of this variant in disease. Therefore, it has been classified as a Variant of Uncertain Significance.